The following is an entry in ClinVar:

NM_001114753.3(ENG):c.635_654del (p.Val212fs)

Gene: ENG (endoglin; minus strand). Cytogenetic location: 9q34.11.
Variant type: Deletion.
Coding change: c.635_654del on transcript NM_001114753.3 (MANE Select); coding-DNA positions 635 to 654, 20 bases deleted (TGGCCGGCCACAAGGAGGCG).
Protein change: p.Val212fs; shifts the reading frame from valine 212.
Molecular consequence: frameshift variant.
Genome position (GRCh38, 1-based): chr9:127,825,730-127,825,749, CGCCTCCTTGTGGCCGGCCA deleted on the plus strand (TGGCCGGCCACAAGGAGGCG on the coding strand, the reverse complement: ENG is on the minus strand); deleting any 20 consecutive bases within chr9:127,825,730-127,825,754 gives the same sequence; the c. name uses the placement nearest the transcript's 3' end. VCF-style (leftmost placement, unchanged base first): chr9-127825729-GCGCCTCCTTGTGGCCGGCCA-G. GRCh37 (hg19) VCF-style: chr9-130588008-GCGCCTCCTTGTGGCCGGCCA-G.
Other names: c.630_649del20, p.Val212Alafs (NM_000118.4, NM_001406715.1); c.89_108del, p.Val30fs (NM_001278138.2); short protein forms V30fs, V212fs.
Identifiers: ClinVar variation 1753008 (VCV001753008.5), dbSNP rs2539075870, ClinGen allele CA2580079680.
Genomic context (GRCh38, chr9:127,825,729, plus strand): 5'-TGTCAGGGGCGGGGCGAGAGCCATACCCGGCCGAGTGGCCCGGCAGGACCCTCAGGATGT[GCGCCTCCTTGTGGCCGGCCA>G]CGCCTTCCAAGTGGCAGCCCCGGACCAAGGCTGGAGTACGCGGCCGCCACTCGAGCGTGC-3'

ClinVar aggregate classification (germline): Pathogenic. Review status: criteria provided, multiple submitters, no conflicts (2 of 4 stars). 2 submissions from 2 submitters: Pathogenic (2). Last evaluated 2023-05-28.

Conditions:
Hereditary hemorrhagic telangiectasia (HHT). Also called: ORW DISEASE; Osler Weber Rendu syndrome; OSLER-RENDU-WEBER DISEASE; Osler hemorrhagic telangiectasia syndrome. Identifiers: Orphanet 774, MedGen C0039445, MONDO:0019180. Disease mechanism: loss of function.
Cardiovascular phenotype. Identifiers: MedGen CN230736.

Submissions (2):

Labcorp Genetics (formerly Invitae), Labcorp
Classification: Pathogenic for Hereditary hemorrhagic telangiectasia. Last evaluated: 2023-05-28. Review status: criteria provided, single submitter. Criteria: Invitae Variant Classification Sherloc (09022015). Collection method: clinical testing. Allele origin: germline.
Comment: This sequence change creates a premature translational stop signal (p.Val212Alafs*115) in the ENG gene. It is expected to result in an absent or disrupted protein product. Loss-of-function variants in ENG are known to be pathogenic (PMID: 15879500). This variant is not present in population databases (gnomAD no frequency). For these reasons, this variant has been classified as Pathogenic. ClinVar contains an entry for this variant (Variation ID: 1753008). This variant has not been reported in the literature in individuals affected with ENG-related conditions.

Ambry Genetics
Classification: Pathogenic for Cardiovascular phenotype. Last evaluated: 2021-03-17. Review status: criteria provided, single submitter. Criteria: Ambry Variant Classification Scheme 2023. Collection method: clinical testing. Allele origin: germline.
Comment: The c.635_654del20 pathogenic mutation, located in coding exon 5 of the ENG gene, results from a deletion of 20 nucleotides at nucleotide positions 635 to 654, causing a translational frameshift with a predicted alternate stop codon (p.V212Afs*115). This alteration is expected to result in loss of function by premature protein truncation or nonsense-mediated mRNA decay. As such, this alteration is interpreted as a disease-causing mutation.

Literature cited by the submitters: PubMed 15879500 (cited by Labcorp Genetics (formerly Invitae), Labcorp).